The following is an entry in ClinVar:

NM_006343.3(MERTK):c.1216A>G (p.Met406Val)

Gene: MERTK (MER proto-oncogene, tyrosine kinase; plus strand). Cytogenetic location: 2q13.
Variant type: single nucleotide variant.
Coding change: c.1216A>G on transcript NM_006343.3 (MANE Select); coding-DNA position 1216, A replaced by G.
Protein change: p.Met406Val; replaces methionine 406 with valine.
Molecular consequence: missense variant.
Genome position (GRCh38, 1-based): chr2:111,982,913, A>G. VCF-style: chr2-111982913-A-G. GRCh37 (hg19) VCF-style: chr2-112740490-A-G.
Other names: c.1216A>G (NM_006343.2); short protein forms M406V.
Identifiers: ClinVar variation 1396995 (VCV001396995.9), dbSNP rs377752022, ClinGen allele CA1831296.

ClinVar aggregate classification (germline): Uncertain significance. Review status: criteria provided, multiple submitters, no conflicts (2 of 4 stars). 3 submissions from 3 submitters: Uncertain significance (2). 1 of the submissions does not count toward it. Last evaluated 2025-07-14.

Conditions:
Inborn genetic diseases. Identifiers: MedGen C0950123, MeSH D030342.
Retinal dystrophy. Also called: Inherited retinal dystrophy. Identifiers: Orphanet 71862, MedGen C0854723, MeSH D058499, MONDO:0019118, HP:0000556.

Allele frequency attached by ClinVar (database versions not stated): gnomAD exomes 0.00001 and 0.00003; ExAC 0.00003; gnomAD 0.00011 and 0.00012; ESP Exome Variant Server 0.00015; TOPMed 0.00015.
gnomAD v4.1: 33 of 1,614,040 alleles (0.002%); highest among the groups gnomAD compares: African/African-American, 0.04%; 1 homozygote.

Submissions (3):

Ambry Genetics
Classification: Uncertain significance for Inborn genetic diseases. Last evaluated: 2025-07-14. Review status: criteria provided, single submitter. Criteria: Ambry Variant Classification Scheme 2023. Collection method: clinical testing. Allele origin: germline.

Labcorp Genetics (formerly Invitae), Labcorp
Classification: Uncertain significance. Last evaluated: 2024-04-05. Review status: criteria provided, single submitter. Criteria: Invitae Variant Classification Sherloc (09022015). Collection method: clinical testing. Allele origin: germline.
Comment: This sequence change replaces methionine, which is neutral and non-polar, with valine, which is neutral and non-polar, at codon 406 of the MERTK protein (p.Met406Val). This variant is present in population databases (rs377752022, gnomAD 0.04%). This variant has not been reported in the literature in individuals affected with MERTK-related conditions. ClinVar contains an entry for this variant (Variation ID: 1396995). Advanced modeling of protein sequence and biophysical properties (such as structural, functional, and spatial information, amino acid conservation, physicochemical variation, residue mobility, and thermodynamic stability) performed at Invitae indicates that this missense variant is not expected to disrupt MERTK protein function with a negative predictive value of 80%. In summary, the available evidence is currently insufficient to determine the role of this variant in disease. Therefore, it has been classified as a Variant of Uncertain Significance.

Institute of Human Genetics, Univ. Regensburg, Univ. Regensburg
Classification: Uncertain significance for Retinal dystrophy. Last evaluated: 2023-01-01. Review status: no assertion criteria provided. Criteria: ACMG Guidelines, 2015. Collection method: clinical testing. Allele origin: germline. Affected: yes. Not counted in ClinVar's aggregate classification.